The following is an entry in ClinVar:

NM_000179.3(MSH6):c.1698A>C (p.Gly566=)

Gene: MSH6 (mutS homolog 6; plus strand). Cytogenetic location: 2p16.3.
Variant type: single nucleotide variant.
Coding change: c.1698A>C on transcript NM_000179.3 (MANE Select); coding-DNA position 1698, A replaced by C.
Protein change: p.Gly566=; no amino-acid change (glycine 566 retained).
Molecular consequence: synonymous variant.
Genome position (GRCh38, 1-based): chr2:47,799,681, A>C. VCF-style: chr2-47799681-A-C. GRCh37 (hg19) VCF-style: chr2-48026820-A-C.
Other names: c.1308A>C, p.Gly436= (NM_001281492.2); c.792A>C, p.Gly264= (NM_001281493.2, NM_001281494.2).
Identifiers: ClinVar variation 388360 (VCV000388360.24), dbSNP rs764818222, ClinGen allele CA068011.
Genomic context (GRCh38, chr2:47,799,681, plus strand): 5'-GGAAGATTCTTCTGGCCATACTCGTGCATATGGTGTGTGCTTTGTTGATACTTCACTGGG[A>C]AAGTTTTTCATAGGTCAGTTTTCAGATGATCGCCATTGTTCGAGATTTAGGACTCTAGTG-3'
Protein context (NP_000170.1, residues 556-576): YGVCFVDTSL[Gly566=]KFFIGQFSDD

ClinVar aggregate classification (germline): Benign/Likely benign. Review status: criteria provided, multiple submitters, no conflicts (2 of 4 stars). 8 submissions from 8 submitters: Benign (1); Likely benign (7). Last evaluated 2025-05-26.

Conditions:
Hereditary cancer-predisposing syndrome. Also called: Hereditary Cancer Syndrome; Hereditary neoplastic syndrome; Neoplastic Syndromes, Hereditary; Tumor predisposition. Identifiers: Orphanet 140162, MedGen C0027672, MeSH D009386, MONDO:0015356.
Lynch syndrome. Identifiers: Orphanet 144, MedGen C4552100, MONDO:0005835. Disease mechanism: loss of function.
Hereditary nonpolyposis colorectal neoplasms. Identifiers: MedGen C0009405, MeSH D003123.
Lynch syndrome 5 (LYNCH5). Also called: Hereditary non-polyposis colorectal cancer, type 5; Colorectal cancer, hereditary nonpolyposis, type 5. Identifiers: Orphanet 144, MedGen C1833477, MONDO:0013710, OMIM 614350. Disease mechanism: loss of function.

Allele frequency attached by ClinVar (database versions not stated): gnomAD 0.00001; ExAC 0.00002; gnomAD exomes 0.00002 and 0.00003; TOPMed 0.00002.
gnomAD v4.1: 38 of 1,614,070 alleles (0.0024%); highest among the groups gnomAD compares: South Asian, 0.012%; no homozygotes.

Submissions (8):

Labcorp Genetics (formerly Invitae), Labcorp
Classification: Likely benign for Hereditary nonpolyposis colorectal neoplasms. Last evaluated: 2025-05-26. Review status: criteria provided, single submitter. Criteria: Invitae Variant Classification Sherloc (09022015). Collection method: clinical testing. Allele origin: germline.

Myriad Genetics, Inc.
Classification: Benign for Lynch syndrome 5. Last evaluated: 2024-12-27. Review status: criteria provided, single submitter. Criteria: Myriad Autosomal Dominant, Autosomal Recessive and X-Linked Classification Criteria (2023). Collection method: clinical testing. Allele origin: unknown.
Comment: This variant is considered benign. This variant is a silent/synonymous amino acid change and it is not expected to impact splicing.

All of Us Research Program, National Institutes of Health
Classification: Likely benign for Lynch syndrome. Last evaluated: 2023-11-02. Review status: criteria provided, single submitter. Criteria: ACMG Guidelines, 2015. Collection method: clinical testing. Allele origin: germline. Inheritance: Autosomal dominant inheritance. Observed: 5 variant alleles, 5 heterozygotes.
Comment: This study involves interpretation of variants in research participants for the purpose of population health screening. Participant phenotype was not available at the time of variant classification. Additional details can be found in publication PMID: 35346344, PMCID: PMC8962531

Department of Pathology and Laboratory Medicine, Sinai Health System
Classification: Likely benign for Lynch syndrome. Last evaluated: 2022-08-17. Review status: criteria provided, single submitter. Criteria: ACMG Guidelines, 2015. Collection method: clinical testing. Allele origin: germline. Affected: yes.

Women's Health and Genetics/Laboratory Corporation of America, LabCorp
Classification: Likely benign. Last evaluated: 2022-06-23. Review status: criteria provided, single submitter. Criteria: LabCorp Variant Classification Summary - May 2015. Collection method: clinical testing. Allele origin: germline.

GeneDx
Classification: Likely benign. Last evaluated: 2019-10-07. Review status: criteria provided, single submitter. Criteria: GeneDx Variant Classification Process June 2021. Collection method: clinical testing. Allele origin: germline. Affected: yes.
Comment: Not observed at a significant frequency in large population cohorts (Lek 2016)

Color Diagnostics, LLC DBA Color Health
Classification: Likely benign for Hereditary cancer-predisposing syndrome. Last evaluated: 2017-11-20. Review status: criteria provided, single submitter. Criteria: ACMG Guidelines, 2015. Collection method: clinical testing. Allele origin: germline.

Ambry Genetics
Classification: Likely benign for Hereditary cancer-predisposing syndrome. Last evaluated: 2017-06-13. Review status: criteria provided, single submitter. Criteria: Ambry Variant Classification Scheme 2023. Collection method: clinical testing. Allele origin: germline.